The following is an entry in ClinVar:

NM_001009999.3(KDM1A):c.2564G>A (p.Gly855Glu)

Gene: KDM1A (lysine demethylase 1A; plus strand). Cytogenetic location: 1p36.12.
Variant type: single nucleotide variant.
Coding change: c.2564G>A on transcript NM_001009999.3 (MANE Select); coding-DNA position 2564, G replaced by A.
Protein change: p.Gly855Glu; replaces glycine 855 with glutamic acid.
Molecular consequence: missense variant. On other transcripts: 3 prime UTR variant (1).
Genome position (GRCh38, 1-based): chr1:23,083,297, G>A. VCF-style: chr1-23083297-G-A. GRCh37 (hg19) VCF-style: chr1-23409790-G-A.
Other names: c.2510G>A, p.Gly837Glu (NM_001363654.2); c.2570G>A, p.Gly857Glu (NM_001410762.1); c.*812G>A (NM_001410763.1); c.2492G>A, p.Gly831Glu (NM_015013.4); short protein forms G831E, G837E, G857E, G855E.
Identifiers: ClinVar variation 4091111 (VCV004091111.1).

ClinVar aggregate classification (germline): Uncertain significance (1 of 4 stars; one submission).

Conditions:
Inborn genetic diseases. Identifiers: MedGen C0950123, MeSH D030342.

Submission:

Ambry Genetics
Classification: Uncertain significance for Inborn genetic diseases. Last evaluated: 2025-09-10. Review status: criteria provided, single submitter. Criteria: Ambry Variant Classification Scheme 2023. Collection method: clinical testing. Allele origin: germline.
Comment: The p.G855E variant (also known as c.2564G>A), located in coding exon 21 of the KDM1A gene, results from a G to A substitution at nucleotide position 2564. The glycine at codon 855 is replaced by glutamic acid, an amino acid with similar properties. This amino acid position is conserved. In addition, the in silico prediction for this alteration is inconclusive. Based on the available evidence, the clinical significance of this variant remains unclear.